The following is an entry in ClinVar:

ClinVar aggregate classification (germline): Uncertain significance (1 of 4 stars; one submission).

Submission:

Labcorp Genetics (formerly Invitae), Labcorp
Classification: Uncertain significance. Last evaluated: 2024-09-05. Review status: criteria provided, single submitter. Criteria: Invitae Variant Classification Sherloc (09022015). Collection method: clinical testing. Allele origin: germline.
Comment: This sequence change replaces isoleucine, which is neutral and non-polar, with valine, which is neutral and non-polar, at codon 1671 of the ALPK3 protein (p.Ile1671Val). This variant is not present in population databases (gnomAD no frequency). This variant has not been reported in the literature in individuals affected with ALPK3-related conditions. An algorithm developed to predict the effect of missense changes on protein structure and function (PolyPhen-2) suggests that this variant is likely to be disruptive. In summary, the available evidence is currently insufficient to determine the role of this variant in disease. Therefore, it has been classified as a Variant of Uncertain Significance.

NM_020778.5(ALPK3):c.4405A>G (p.Ile1469Val)

Gene: ALPK3 (alpha kinase 3; plus strand). Cytogenetic location: 15q25.3.
Variant type: single nucleotide variant.
Coding change: c.4405A>G on transcript NM_020778.5 (MANE Select); coding-DNA position 4405, A replaced by G.
Protein change: p.Ile1469Val; replaces isoleucine 1469 with valine.
Molecular consequence: missense variant.
Genome position (GRCh38, 1-based): chr15:84,862,910, A>G. VCF-style: chr15-84862910-A-G. GRCh37 (hg19) VCF-style: chr15-85406141-A-G.
Other names: short protein forms I1469V.
Identifiers: ClinVar variation 2706660 (VCV002706660.3), dbSNP rs1963965369, ClinGen allele CA393363511.
Genomic context (GRCh38, chr15:84,862,910, plus strand): 5'-CTGCTTGTGTTTGGGCCCAGCAGTGAGACTTCTCTTGTGGGCAGAAACTACGACGTCACC[A>G]TCCAGGTACTATGTCCCATCTTCACACCCCATTCTTTTATTCTCTCACCCCCTCCCCTTT-3'
Protein context (NP_065829.4, residues 1459-1479): SLVGRNYDVT[Ile1469Val]QGCKIQNMSR